The following is an entry in ClinVar:

NM_013334.3(GMPPB):c.-412C>T

Genes: GMPPB (GDP-mannose pyrophosphorylase B; minus strand), LOC129936765 (ATAC-STARR-seq lymphoblastoid silent region 14372; plus strand). Cytogenetic location: 3p21.31.
Variant type: single nucleotide variant.
Coding change: c.-412C>T on transcript NM_013334.3; 412 bases upstream of the start codon, C replaced by T.
Genome position (GRCh38, 1-based): chr3:49,724,138, G>A on the plus strand (C>T on the coding strand, the complement: GMPPB is on the minus strand). VCF-style: chr3-49724138-G-A. GRCh37 (hg19) VCF-style: chr3-49761571-G-A.
Identifiers: ClinVar variation 668904 (VCV000668904.3), dbSNP rs4855850, ClinGen allele CA11360437.

ClinVar aggregate classification (germline): Benign (1 of 4 stars; one submission).

Allele frequency attached by ClinVar (database versions not stated): 1000 Genomes Project 0.58586; gnomAD 0.51529 and 0.52453; TOPMed 0.51452; 1000 Genomes Project 30x 0.58011.

Submission:

GeneDx
Classification: Benign. Last evaluated: 2018-06-19. Review status: criteria provided, single submitter. Criteria: GeneDx Variant Classification (06012015). Collection method: clinical testing. Allele origin: germline. Affected: yes.
Comment: This variant is considered likely benign or benign based on one or more of the following criteria: it is a conservative change, it occurs at a poorly conserved position in the protein, it is predicted to be benign by multiple in silico algorithms, and/or has population frequency not consistent with disease.